The following is an entry in ClinVar:

NM_022124.6(CDH23):c.6474dup (p.Ile2159fs)

Gene: CDH23 (cadherin related 23; plus strand). Cytogenetic location: 10q22.1.
Variant type: Duplication.
Coding change: c.6474dup on transcript NM_022124.6 (MANE Select); coding-DNA position 6474, one base duplicated (C; older notation c.6474dupC).
Protein change: p.Ile2159fs; shifts the reading frame from isoleucine 2159.
Molecular consequence: frameshift variant.
Genome position (GRCh38, 1-based): chr10:71,793,402, C duplicated; the last of 2 consecutive C bases (chr10:71,793,401-71,793,402); duplicating either gives the same sequence. VCF-style (leftmost placement, unchanged base first): chr10-71793400-G-GC. GRCh37 (hg19) VCF-style: chr10-73553157-G-GC.
Other names: short protein forms I2159fs.
Identifiers: ClinVar variation 1453320 (VCV001453320.6), dbSNP rs2132953942, ClinGen allele CA2573145267.

ClinVar aggregate classification (germline): Pathogenic (1 of 4 stars; one submission).

Submission:

Labcorp Genetics (formerly Invitae), Labcorp
Classification: Pathogenic. Last evaluated: 2021-12-14. Review status: criteria provided, single submitter. Criteria: Invitae Variant Classification Sherloc (09022015). Collection method: clinical testing. Allele origin: germline.
Comment: This sequence change creates a premature translational stop signal (p.Ile2159Hisfs*8) in the CDH23 gene. It is expected to result in an absent or disrupted protein product. Loss-of-function variants in CDH23 are known to be pathogenic (PMID: 11138009, 21940737). For these reasons, this variant has been classified as Pathogenic. This variant has not been reported in the literature in individuals affected with CDH23-related conditions. This variant is not present in population databases (gnomAD no frequency).

Literature cited by the submitters: PubMed 11138009; PubMed 21940737.